The following is an entry in ClinVar:

ClinVar aggregate classification (germline): Uncertain significance (1 of 4 stars; one submission).

Conditions:
Hereditary pancreatitis (PCTT). Also called: Hereditary chronic pancreatitis; PRSS1-Related Hereditary Pancreatitis. Identifiers: Orphanet 676, MedGen C0238339, MONDO:0008185, OMIM 167800.

Submission:

Ambry Genetics
Classification: Uncertain significance for Hereditary pancreatitis. Last evaluated: 2025-12-12. Review status: criteria provided, single submitter. Criteria: Ambry Variant Classification Scheme 2023. Collection method: clinical testing. Allele origin: germline.
Comment: The p.G177A variant (also known as c.530G>C), located in coding exon 4 of the PRSS1 gene, results from a G to C substitution at nucleotide position 530. The glycine at codon 177 is replaced by alanine, an amino acid with similar properties. This amino acid position is conserved. In addition, the in silico prediction for this alteration is inconclusive. Since supporting evidence is limited at this time, the clinical significance of this alteration remains unclear.

NM_002769.5(PRSS1):c.530G>C (p.Gly177Ala)

Genes: TRB (T cell receptor beta locus; plus strand), PRSS1 (serine protease 1; plus strand). Cytogenetic location: 7q34.
Variant type: single nucleotide variant.
Coding change: c.530G>C on transcript NM_002769.5 (MANE Select); coding-DNA position 530, G replaced by C.
Protein change: p.Gly177Ala; replaces glycine 177 with alanine.
Molecular consequence: missense variant. On other transcripts: non-coding transcript variant (5).
Genome position (GRCh38, 1-based): chr7:142,752,506, G>C. VCF-style: chr7-142752506-G-C. GRCh37 (hg19) VCF-style: chr7-142460357-G-C.
Other names: short protein forms G177A.
Identifiers: ClinVar variation 1746758 (VCV001746758.4), dbSNP rs1468060476, ClinGen allele CA369610266.